The following is an entry in ClinVar:

NC_000022.10:g.(?_31018935)_(31019090_?)del

Gene: TCN2 (transcobalamin 2; plus strand). Cytogenetic location: 22q12.2.
Variant type: Deletion.
Identifiers: ClinVar variation 3247369 (VCV003247369.1).

ClinVar aggregate classification (germline): Pathogenic (1 of 4 stars; one submission).

Conditions:
Transcobalamin II deficiency (TCN2D). Also called: TC II DEFICIENCY; TCN2 DEFICIENCY; Transcolabamin II deficiency. Identifiers: Orphanet 859, MedGen C0342701, MONDO:0010149, OMIM 275350.

Submission:

Labcorp Genetics (formerly Invitae), Labcorp
Classification: Pathogenic for Transcobalamin II deficiency. Last evaluated: 2023-05-01. Review status: criteria provided, single submitter. Criteria: Invitae Variant Classification Sherloc (09022015). Collection method: clinical testing. Allele origin: unknown.
Comment: A similar copy number variant has been observed in individual(s) with transcobalamin II deficiency (PMID: 20607612, 25914105, 34440436). In at least one individual the data is consistent with being in trans (on the opposite chromosome) from a pathogenic variant. For these reasons, this variant has been classified as Pathogenic. This variant disrupts a region of the TCN2 protein in which other variant(s) (p.Arg399*) have been determined to be pathogenic (PMID: 18956254, 31666257; Invitae). This suggests that this is a clinically significant region of the protein, and that variants that disrupt it are likely to be disease-causing. This variant is a gross deletion of the genomic region encompassing exon(s) 8 of the TCN2 gene. While this deletion is not anticipated to lead to nonsense mediated decay, it is expected to disrupt the C-terminus of the protein.

Literature cited by the submitters: PubMed 20607612; PubMed 25914105; PubMed 34440436; PubMed 18956254; PubMed 31666257.